The following is an entry in ClinVar:

ClinVar aggregate classification (germline): Conflicting classifications of pathogenicity. Review status: criteria provided, conflicting classifications (1 of 4 stars). 2 submissions from 2 submitters: Uncertain significance (1); Likely benign (1). Last evaluated 2024-03-20.

Allele frequency attached by ClinVar (database versions not stated): gnomAD exomes 0.00002; gnomAD 0.00003; ExAC 0.00005; TOPMed 0.00005.
gnomAD v4.1: 25 of 1,210,408 alleles (0.0021%); highest among the groups gnomAD compares: East Asian, 0.003%; no homozygotes.

Submissions (2):

Ambry Genetics
Classification: Uncertain significance. Last evaluated: 2024-03-20. Review status: criteria provided, single submitter. Criteria: Ambry Variant Classification Scheme 2023. Collection method: clinical testing. Allele origin: germline.

CeGaT Center for Human Genetics Tuebingen
Classification: Likely benign. Last evaluated: 2023-02-01. Review status: criteria provided, single submitter. Criteria: CeGaT Center For Human Genetics Tuebingen Variant Classification Criteria Version 2. Collection method: clinical testing. Allele origin: germline. Affected: yes. Observed: 1 variant allele.
Comment: KRABD4: BP4, BS2

NM_001129898.2(KRABD4):c.227G>A (p.Arg76Gln)

Gene: KRABD4 (KRAB domain containing 4; plus strand). Cytogenetic location: Xp11.3.
Variant type: single nucleotide variant.
Coding change: c.227G>A on transcript NM_001129898.2 (MANE Select); coding-DNA position 227, G replaced by A.
Protein change: p.Arg76Gln; replaces arginine 76 with glutamine.
Molecular consequence: missense variant.
Genome position (GRCh38, 1-based): chrX:46,463,282, G>A. VCF-style: chrX-46463282-G-A. GRCh37 (hg19) VCF-style: chrX-46322717-G-A.
Other names: c.227G>A, p.Arg76Gln (NM_001129899.2, NM_001129900.2, NM_017776.3); c.227G>A (NM_001129898.1); short protein forms R76Q.
Identifiers: ClinVar variation 2660378 (VCV002660378.25), dbSNP rs745712472, ClinGen allele CA10393209.